The following is an entry in ClinVar:

NM_001943.5(DSG2):c.2429C>T (p.Ser810Phe)

Genes: DSG2 (desmoglein 2; plus strand), DSG2-AS1 (DSG2 antisense RNA 1; minus strand). Cytogenetic location: 18q12.1.
Variant type: single nucleotide variant.
Coding change: c.2429C>T on transcript NM_001943.5 (MANE Select); coding-DNA position 2429, C replaced by T.
Protein change: p.Ser810Phe; replaces serine 810 with phenylalanine.
Molecular consequence: missense variant. On other transcripts: non-coding transcript variant (1).
Genome position (GRCh38, 1-based): chr18:31,545,815, C>T. VCF-style: chr18-31545815-C-T. GRCh37 (hg19) VCF-style: chr18-29125778-C-T.
Other names: short protein forms S810F.
Identifiers: ClinVar variation 5008511 (VCV005008511.1).

ClinVar aggregate classification (germline): Uncertain significance (1 of 4 stars; one submission).

Submission:

GeneDx
Classification: Uncertain significance. Last evaluated: 2026-03-03. Review status: criteria provided, single submitter. Criteria: GeneDx Variant Classification Process June 2021. Collection method: clinical testing. Allele origin: germline.
Comment: Not observed at significant frequency in large population cohorts (gnomAD); In silico analysis supports that this missense variant has a deleterious effect on protein structure/function; Has not been previously published as pathogenic or benign to our knowledge